The following is an entry in ClinVar:

ClinVar aggregate classification (germline): Pathogenic (1 of 4 stars; one submission).

Conditions:
Inborn genetic diseases. Identifiers: MedGen C0950123, MeSH D030342.

Submission:

Ambry Genetics
Classification: Pathogenic for Inborn genetic diseases. Last evaluated: 2020-04-21. Review status: criteria provided, single submitter. Criteria: Ambry Variant Classification Scheme 2023. Collection method: clinical testing. Allele origin: germline.
Comment: The alteration results in a premature stop codon: _x000D_ _x000D_ The c.4726_4729dupACCC (p.R1577Hfs*23) alteration, located in exon 18 (coding exon 16) of the KAT6B gene, results from a duplication of 4 nucleotides from position 4726 to 4729, causing a translational frameshift with a predicted alternate stop codon after 23 amino acids. Frameshifts are typically deleterious in nature; however, this frameshift occurs at the 3' terminus of KAT6B, is not expected to trigger nonsense-mediated mRNA decay, and a truncated mutant protein could still be expressed (Maquat, 2004). This alteration impacts the last 437 amino acids of the protein. The exact functional impact of the truncation is unknown at this time; however, a significant portion of the protein is affected and other alterations in the region have been reported in affected individuals (Gannon, 2015). The alteration is not observed in population databases:_x000D_ _x000D_ Based on data from the Genome Aggregation Database (gnomAD), the KAT6B c.4726_4729dupACCC (p.R1577Hfs*23) alteration was not observed, with coverage at this position. Based on the available evidence, this alteration is classified as pathogenic.

NM_012330.4(KAT6B):c.4726_4729dup (p.Arg1577fs)

Gene: KAT6B (lysine acetyltransferase 6B; plus strand). Cytogenetic location: 10q22.2.
Variant type: Duplication.
Coding change: c.4726_4729dup on transcript NM_012330.4 (MANE Select); coding-DNA positions 4726 to 4729, 4 bases duplicated (ACCC; older notation c.4726_4729dupACCC).
Protein change: p.Arg1577fs; shifts the reading frame from arginine 1577.
Molecular consequence: frameshift variant.
Genome position (GRCh38, 1-based): chr10:75,029,550-75,029,553, ACCC duplicated; duplicating any 4 consecutive bases within chr10:75,029,549-75,029,553 gives the same sequence; the c. name uses the placement nearest the transcript's 3' end. VCF-style (leftmost placement, unchanged base first): chr10-75029548-A-ACACC. GRCh37 (hg19) VCF-style: chr10-76789306-A-ACACC.
Other names: c.4177_4180dup, p.Arg1394fs (NM_001256468.2, NM_001370138.1); c.3850_3853dup, p.Arg1285fs (NM_001256469.2, NM_001370139.1, NM_001370140.1 and 2 more transcripts); c.3688_3691dup, p.Arg1231fs (NM_001370132.1); c.3037_3040dup, p.Arg1014fs (NM_001370133.1); c.2641_2644dup, p.Arg882fs (NM_001370134.1); c.2383_2386dup, p.Arg796fs (NM_001370135.1); c.4726_4729dup, p.Arg1577fs (NM_001370136.1, NM_001370137.1); c.3661_3664dup, p.Arg1222fs (NM_001370143.1, NM_001370144.1); short protein forms R1014fs, R1222fs, R1231fs, R1285fs, R1394fs, R1577fs, R796fs, R882fs.
Identifiers: ClinVar variation 985610 (VCV000985610.5), dbSNP rs1846150514, ClinGen allele CA1139661517.